The following is an entry in ClinVar:

NM_002875.5(RAD51):c.436C>T (p.Leu146Phe)

Gene: RAD51 (RAD51 recombinase; plus strand). Cytogenetic location: 15q15.1.
Variant type: single nucleotide variant.
Coding change: c.436C>T on transcript NM_002875.5 (MANE Select); coding-DNA position 436, C replaced by T.
Protein change: p.Leu146Phe; replaces leucine 146 with phenylalanine.
Molecular consequence: missense variant.
Genome position (GRCh38, 1-based): chr15:40,718,805, C>T. VCF-style: chr15-40718805-C-T. GRCh37 (hg19) VCF-style: chr15-41011003-C-T.
Other names: c.439C>T, p.Leu147Phe (NM_001164269.2, NM_133487.4); c.436C>T, p.Leu146Phe (NM_001164270.2); short protein forms L147F, L146F.
Identifiers: ClinVar variation 1740068 (VCV001740068.2), dbSNP rs2141857340, ClinGen allele CA391753217.

ClinVar aggregate classification (germline): Uncertain significance (1 of 4 stars; one submission).

Conditions:
Inborn genetic diseases. Identifiers: MedGen C0950123, MeSH D030342.

Submission:

Ambry Genetics
Classification: Uncertain significance for Inborn genetic diseases. Last evaluated: 2022-05-07. Review status: criteria provided, single submitter. Criteria: Ambry Variant Classification Scheme 2023. Collection method: clinical testing. Allele origin: germline.
Comment: The p.L146F variant (also known as c.436C>T) is located in coding exon 5 of the RAD51 gene. The leucine at codon 146 is replaced by phenylalanine, an amino acid with highly similar properties. This change occurs in the first base pair of coding exon 5. This amino acid position is conserved. In addition, the in silico prediction for this alteration is inconclusive. Since supporting evidence is limited at this time, the clinical significance of this alteration remains unclear.